The following is an entry in ClinVar:

NM_001372.4(DNAH9):c.644A>C (p.Tyr215Ser)

Gene: DNAH9 (dynein axonemal heavy chain 9; plus strand). Cytogenetic location: 17p12.
Variant type: single nucleotide variant.
Coding change: c.644A>C on transcript NM_001372.4 (MANE Select); coding-DNA position 644, A replaced by C.
Protein change: p.Tyr215Ser; replaces tyrosine 215 with serine.
Molecular consequence: missense variant.
Genome position (GRCh38, 1-based): chr17:11,610,425, A>C. VCF-style: chr17-11610425-A-C. GRCh37 (hg19) VCF-style: chr17-11513742-A-C.
Other names: short protein forms Y215S.
Identifiers: ClinVar variation 2497786 (VCV002497786.1), dbSNP rs776953040, ClinGen allele CA8394611.

ClinVar aggregate classification (germline): Uncertain significance (1 of 4 stars; one submission).

Allele frequency attached by ClinVar (database versions not stated): TOPMed 0.00001; ExAC 0.00002; gnomAD 0.00002; gnomAD exomes 0.00003.
gnomAD v4.1: 45 of 1,613,688 alleles (0.0028%); highest among the groups gnomAD compares: Non-Finnish European, 0.0038%; 1 homozygote.

Submission:

GeneDx
Classification: Uncertain significance. Last evaluated: 2022-10-04. Review status: criteria provided, single submitter. Criteria: GeneDx Variant Classification Process June 2021. Collection method: clinical testing. Allele origin: germline. Affected: yes.
Comment: In silico analysis supports that this missense variant has a deleterious effect on protein structure/function; Has not been previously published as pathogenic or benign to our knowledge